The following is an entry in ClinVar:

NM_181672.3(OGT):c.1185T>G (p.Ala395=)

Gene: OGT (O-linked N-acetylglucosamine (GlcNAc) transferase; plus strand). Cytogenetic location: Xq13.1.
Variant type: single nucleotide variant.
Coding change: c.1185T>G on transcript NM_181672.3 (MANE Select); coding-DNA position 1185, T replaced by G.
Protein change: p.Ala395=; no amino-acid change (alanine 395 retained).
Molecular consequence: synonymous variant.
Genome position (GRCh38, 1-based): chrX:71,556,970, T>G. VCF-style: chrX-71556970-T-G. GRCh37 (hg19) VCF-style: chrX-70776820-T-G.
Other names: c.1155T>G, p.Ala385= (NM_181673.3).
Identifiers: ClinVar variation 1695308 (VCV001695308.31), dbSNP rs767224344, ClinGen allele CA10447639.

ClinVar aggregate classification (germline): Likely benign (1 of 4 stars; one submission).

Allele frequency attached by ClinVar (database versions not stated): gnomAD exomes 0.00001; ExAC 0.00002.
gnomAD v4.1: 3 of 1,210,497 alleles (0.00025%); highest among the groups gnomAD compares: Non-Finnish European, 0.00034%; no homozygotes.

Submission:

CeGaT Center for Human Genetics Tuebingen
Classification: Likely benign. Last evaluated: 2022-06-01. Review status: criteria provided, single submitter. Criteria: CeGaT Center For Human Genetics Tuebingen Variant Classification Criteria Version 2. Collection method: clinical testing. Allele origin: germline. Affected: yes. Observed: 1 variant allele.
Comment: OGT: BP4, BP7